The following is an entry in ClinVar:

NM_181783.4(TMTC3):c.1646A>G (p.Asp549Gly)

Gene: TMTC3 (transmembrane O-mannosyltransferase targeting cadherins 3; plus strand). Cytogenetic location: 12q21.32.
Variant type: single nucleotide variant.
Coding change: c.1646A>G on transcript NM_181783.4 (MANE Select); coding-DNA position 1646, A replaced by G.
Protein change: p.Asp549Gly; replaces aspartic acid 549 with glycine.
Molecular consequence: missense variant. On other transcripts: non-coding transcript variant (1).
Genome position (GRCh38, 1-based): chr12:88,190,562, A>G. VCF-style: chr12-88190562-A-G. GRCh37 (hg19) VCF-style: chr12-88584339-A-G.
Other names: c.1466A>G, p.Asp489Gly (NM_001366574.1); c.1427A>G, p.Asp476Gly (NM_001366579.1); c.1379A>G, p.Asp460Gly (NM_001366580.1); c.953A>G, p.Asp318Gly (NM_001366583.1); short protein forms D318G, D460G, D476G, D489G, D549G.
Identifiers: ClinVar variation 1714023 (VCV001714023.6), dbSNP rs747361782, ClinGen allele CA6713333.
Genomic context (GRCh38, chr12:88,190,562, plus strand): 5'-ATGTTTATATCAATCTGGCTAACCTGATCCGAGCAAATGAGTCCCGACTGGAAGAAGCAG[A>G]TCAGCTGTACCGTCAAGCAATAAGCATGAGGCCCGACTTCAAGCAGGCTTACATTAGCAG-3'
Protein context (NP_861448.2, residues 539-559): RANESRLEEA[Asp549Gly]QLYRQAISMR

ClinVar aggregate classification (germline): Uncertain significance (1 of 4 stars; one submission).

Allele frequency attached by ClinVar (database versions not stated): TOPMed below 0.00001; ExAC 0.00001; gnomAD exomes 0.00001.
gnomAD v4.1: 9 of 1,614,000 alleles (0.00056%); highest among the groups gnomAD compares: Non-Finnish European, 0.00059%; no homozygotes.

Submissions (2):

Labcorp Genetics (formerly Invitae), Labcorp
Classification: Uncertain significance. Last evaluated: 2024-10-07. Review status: criteria provided, single submitter. Criteria: Invitae Variant Classification Sherloc (09022015). Collection method: clinical testing. Allele origin: germline.
Comment: This sequence change replaces aspartic acid, which is acidic and polar, with glycine, which is neutral and non-polar, at codon 549 of the TMTC3 protein (p.Asp549Gly). This variant is present in population databases (rs747361782, gnomAD 0.002%). This variant has not been reported in the literature in individuals affected with TMTC3-related conditions. ClinVar contains an entry for this variant (Variation ID: 1714023). An algorithm developed to predict the effect of missense changes on protein structure and function (PolyPhen-2) suggests that this variant is likely to be disruptive. In summary, the available evidence is currently insufficient to determine the role of this variant in disease. Therefore, it has been classified as a Variant of Uncertain Significance.

Dr. Peter K. Rogan Lab, Western University
No classification provided (evidence only). Condition: Thyroid cancer, nonmedullary, 1. Review status: no classification provided. Collection method: in vitro. Allele origin: not applicable. Functional consequence: retained intron. Not counted in ClinVar's aggregate classification.